The following is an entry in ClinVar:

NM_001042492.3(NF1):c.4927G>A (p.Val1643Met)

Gene: NF1 (neurofibromin 1; plus strand). Cytogenetic location: 17q11.2.
Variant type: single nucleotide variant.
Coding change: c.4927G>A on transcript NM_001042492.3 (MANE Select); coding-DNA position 4927, G replaced by A.
Protein change: p.Val1643Met; replaces valine 1643 with methionine.
Molecular consequence: missense variant.
Genome position (GRCh38, 1-based): chr17:31,325,911, G>A. VCF-style: chr17-31325911-G-A. GRCh37 (hg19) VCF-style: chr17-29652929-G-A.
Other names: c.4864G>A, p.Val1622Met (NM_000267.4); short protein forms V1643M, V1622M.
Identifiers: ClinVar variation 404610 (VCV000404610.7), dbSNP rs1060500381, ClinGen allele CA16615262.

ClinVar aggregate classification (germline): Uncertain significance. Review status: criteria provided, multiple submitters, no conflicts (2 of 4 stars). 3 submissions from 3 submitters: Uncertain significance (3). Last evaluated 2025-05-15.

Conditions:
Hereditary cancer-predisposing syndrome. Also called: Tumor predisposition; Neoplastic Syndromes, Hereditary; Hereditary Cancer Syndrome; Hereditary neoplastic syndrome. Identifiers: Orphanet 140162, MedGen C0027672, MeSH D009386, MONDO:0015356.
Cardiovascular phenotype. Identifiers: MedGen CN230736.
Juvenile myelomonocytic leukemia (JMML). Also called: LEUKEMIA, JUVENILE MYELOMONOCYTIC, SOMATIC. Identifiers: Orphanet 86834, MedGen C0349639, MONDO:0011908, OMIM 607785, HP:0012209.
Neurofibromatosis, type 1 (NF1). Also called: Neurofibromatosis, type I; NEUROFIBROMATOSIS, TYPE I, SOMATIC; Peripheral type neurofibromatosis; VON RECKLINGHAUSEN DISEASE. Identifiers: Orphanet 636, MedGen C0027831, MONDO:0018975, OMIM 162200. Disease mechanism: loss of function.

Allele frequency attached by ClinVar (database versions not stated): gnomAD exomes below 0.00001.
gnomAD v4.1: 2 of 1,614,142 alleles (0.00012%); highest among the groups gnomAD compares: Non-Finnish European, 0.00017%; no homozygotes.

Submissions (3):

Ambry Genetics
Classification: Uncertain significance for Cardiovascular phenotype; Hereditary cancer-predisposing syndrome. Last evaluated: 2025-05-15. Review status: criteria provided, single submitter. Criteria: Ambry Variant Classification Scheme 2023. Collection method: clinical testing. Allele origin: germline.
Comment: The p.V1622M variant (also known as c.4864G>A), located in coding exon 36 of the NF1 gene, results from a G to A substitution at nucleotide position 4864. The valine at codon 1622 is replaced by methionine, an amino acid with highly similar properties. This amino acid position is well conserved in available vertebrate species. In addition, this alteration is predicted to be tolerated by in silico analysis. Based on the available evidence, the clinical significance of this variant remains unclear.

Baylor Genetics
Classification: Uncertain significance for Juvenile myelomonocytic leukemia. Last evaluated: 2023-11-20. Review status: criteria provided, single submitter. Criteria: ACMG Guidelines, 2015. Collection method: clinical testing. Allele origin: unknown.

Labcorp Genetics (formerly Invitae), Labcorp
Classification: Uncertain significance for Neurofibromatosis, type 1. Last evaluated: 2022-08-24. Review status: criteria provided, single submitter. Criteria: Invitae Variant Classification Sherloc (09022015). Collection method: clinical testing. Allele origin: germline.
Comment: This variant has not been reported in the literature in individuals affected with NF1-related conditions. ClinVar contains an entry for this variant (Variation ID: 404610). Advanced modeling of protein sequence and biophysical properties (such as structural, functional, and spatial information, amino acid conservation, physicochemical variation, residue mobility, and thermodynamic stability) performed at Invitae indicates that this missense variant is not expected to disrupt NF1 protein function. In summary, the available evidence is currently insufficient to determine the role of this variant in disease. Therefore, it has been classified as a Variant of Uncertain Significance. This variant is not present in population databases (gnomAD no frequency). This sequence change replaces valine, which is neutral and non-polar, with methionine, which is neutral and non-polar, at codon 1622 of the NF1 protein (p.Val1622Met).